The following is an entry in ClinVar:

NM_206933.4(USH2A):c.11711+2233C>T

Gene: USH2A (usherin; minus strand). Cytogenetic location: 1q41.
Variant type: single nucleotide variant.
Coding change: c.11711+2233C>T on transcript NM_206933.4 (MANE Select); 2233 bases into the intron after coding-DNA position 11711, C replaced by T.
Molecular consequence: intron variant.
Genome position (GRCh38, 1-based): chr1:215,739,142, G>A on the plus strand (C>T on the coding strand, the complement: USH2A is on the minus strand). VCF-style: chr1-215739142-G-A. GRCh37 (hg19) VCF-style: chr1-215912484-G-A.
Identifiers: ClinVar variation 3338153 (VCV003338153.1).

ClinVar aggregate classification (germline): Uncertain significance (0 of 4 stars; one submission).

Conditions:
Hearing impairment. Also called: Impaired Hearing. Identifiers: MedGen C1384666, MONDO:0005365, HP:0000365.

gnomAD v4.1: 3 of 152,162 alleles (0.002%); highest among the groups gnomAD compares: Non-Finnish European, 0.0044%; no homozygotes.

Submission:

Joint Genome Diagnostic Labs from Nijmegen and Maastricht, Radboudumc and MUMC+
Classification: Uncertain significance for hearing impairment. Review status: no assertion criteria provided. Collection method: clinical testing. Allele origin: germline. Affected: yes.